The following is an entry in ClinVar:

ClinVar aggregate classification (germline): Likely pathogenic (1 of 4 stars; one submission).

Submission:

Labcorp Genetics (formerly Invitae), Labcorp
Classification: Likely pathogenic. Last evaluated: 2022-03-20. Review status: criteria provided, single submitter. Criteria: Invitae Variant Classification Sherloc (09022015). Collection method: clinical testing. Allele origin: germline.
Comment: This variant results in a copy number gain of the genomic region encompassing exon(s) 9-21 of the SLC12A3 gene. While the exact position of this variant cannot be determined from the data, sub-genic copy number gains are generally in tandem (PMID: 25640679). This variant is predicted to be out-of-frame, and may result in an absent or disrupted protein product. Loss-of-function variants in SLC12A3 are known to be pathogenic (PMID: 20848653, 22009145, 25841442). In summary, the currently available evidence indicates that the variant is pathogenic, but additional data are needed to prove that conclusively. Therefore, this variant has been classified as Likely Pathogenic. This variant has not been reported in the literature in individuals affected with SLC12A3-related conditions.

Literature cited by the submitters: PubMed 25640679; PubMed 20848653; PubMed 22009145; PubMed 25841442.

NC_000016.9:g.(?_56911979)_(56927219_?)dup

Gene: SLC12A3 (solute carrier family 12 member 3; plus strand). Cytogenetic location: 16q13.
Variant type: Duplication.
Identifiers: ClinVar variation 2422927 (VCV002422927.4).